The following is an entry in ClinVar:

NM_004973.4(JARID2):c.1095C>G (p.His365Gln)

Gene: JARID2 (jumonji and AT-rich interaction domain containing 2; plus strand). Cytogenetic location: 6p22.3.
Variant type: single nucleotide variant.
Coding change: c.1095C>G on transcript NM_004973.4 (MANE Select); coding-DNA position 1095, C replaced by G.
Protein change: p.His365Gln; replaces histidine 365 with glutamine.
Molecular consequence: missense variant.
Genome position (GRCh38, 1-based): chr6:15,496,320, C>G. VCF-style: chr6-15496320-C-G. GRCh37 (hg19) VCF-style: chr6-15496551-C-G.
Other names: c.579C>G, p.His193Gln (NM_001267040.1); short protein forms H193Q, H365Q.
Identifiers: ClinVar variation 3112209 (VCV003112209.17), dbSNP rs41267696, ClinGen allele CA3642784.

ClinVar aggregate classification (germline): Conflicting classifications of pathogenicity. Review status: criteria provided, conflicting classifications (1 of 4 stars). 2 submissions from 2 submitters: Uncertain significance (1); Likely benign (1). Last evaluated 2024-08-01.

Conditions:
Inborn genetic diseases. Identifiers: MedGen C0950123, MeSH D030342.

Allele frequency attached by ClinVar (database versions not stated): ExAC 0.00001; gnomAD 0.00001; TOPMed 0.00005; 1000 Genomes Project 0.00020; 1000 Genomes Project 30x 0.00031.

Submissions (2):

CeGaT Center for Human Genetics Tuebingen
Classification: Likely benign. Last evaluated: 2024-08-01. Review status: criteria provided, single submitter. Criteria: CeGaT Center For Human Genetics Tuebingen Variant Classification Criteria Version 2. Collection method: clinical testing. Allele origin: germline. Affected: yes. Observed: 1 variant allele.
Comment: JARID2: BP4

Ambry Genetics
Classification: Uncertain significance for Inborn genetic diseases. Last evaluated: 2021-09-21. Review status: criteria provided, single submitter. Criteria: Ambry Variant Classification Scheme 2023. Collection method: clinical testing. Allele origin: germline.